The following is an entry in ClinVar:

NM_024334.3(TMEM43):c.1095G>A (p.Ala365=)

Gene: TMEM43 (transmembrane protein 43; plus strand). Cytogenetic location: 3p25.1.
Variant type: single nucleotide variant.
Coding change: c.1095G>A on transcript NM_024334.3 (MANE Select); coding-DNA position 1095, G replaced by A.
Protein change: p.Ala365=; no amino-acid change (alanine 365 retained).
Molecular consequence: synonymous variant.
Genome position (GRCh38, 1-based): chr3:14,141,687, G>A. VCF-style: chr3-14141687-G-A. GRCh37 (hg19) VCF-style: chr3-14183187-G-A.
Identifiers: ClinVar variation 165458 (VCV000165458.28), dbSNP rs141675061, ClinGen allele CA024574.

ClinVar aggregate classification (germline): Benign/Likely benign. Review status: criteria provided, multiple submitters, no conflicts (2 of 4 stars). 10 submissions from 10 submitters: Benign (1); Likely benign (8). 1 of the submissions does not count toward it. Last evaluated 2026-09-01.

Conditions:
Cardiovascular phenotype. Identifiers: MedGen CN230736.
TMEM43-related disorder. Also called: TMEM43-related condition.
Cardiomyopathy (CMYO). Also called: Cardiomyopathies. Identifiers: Orphanet 167848, MedGen C0878544, MONDO:0004994, HP:0001638. Inheritance: Various modes of inheritance.
Arrhythmogenic right ventricular dysplasia 5. Also called: ARRHYTHMOGENIC RIGHT VENTRICULAR DYSPLASIA, FAMILIAL, 5; Arrhythmogenic Right Ventricular Dysplasia/Cardiomyopathy 5. Identifiers: MedGen C1858379, MONDO:0011459, OMIM 604400.

Allele frequency attached by ClinVar (database versions not stated): gnomAD exomes 0.00018 and 0.00040; ExAC 0.00019; gnomAD 0.00020 and 0.00021; TOPMed 0.00023; ESP Exome Variant Server 0.00031.

Submissions (10):

CeGaT Center for Human Genetics Tuebingen
Classification: Likely benign. Last evaluated: 2026-09-01. Review status: criteria provided, single submitter. Criteria: CeGaT Center For Human Genetics Tuebingen Variant Classification Criteria Version 2. Collection method: clinical testing. Allele origin: germline. Affected: yes. Observed: 1 variant allele.
Comment: TMEM43: BP4, BP7

Labcorp Genetics (formerly Invitae), Labcorp
Classification: Likely benign for Arrhythmogenic right ventricular dysplasia 5. Last evaluated: 2026-01-27. Review status: criteria provided, single submitter. Criteria: Invitae Variant Classification Sherloc (09022015). Collection method: clinical testing. Allele origin: germline.

All of Us Research Program, National Institutes of Health
Classification: Likely benign for Arrhythmogenic right ventricular dysplasia 5. Last evaluated: 2024-02-05. Review status: criteria provided, single submitter. Criteria: ACMG Guidelines, 2015. Collection method: clinical testing. Allele origin: germline. Inheritance: Autosomal dominant inheritance. Observed: 58 variant alleles, 58 heterozygotes.
Comment: This study involves interpretation of variants in research participants for the purpose of population health screening. Participant phenotype was not available at the time of variant classification. Additional details can be found in publication PMID: 35346344, PMCID: PMC8962531

Blueprint Genetics
Classification: Likely benign. Last evaluated: 2023-10-02. Review status: criteria provided, single submitter. Criteria: ACMG Guidelines, 2015. Collection method: clinical testing. Allele origin: germline.

Women's Health and Genetics/Laboratory Corporation of America, LabCorp
Classification: Benign. Last evaluated: 2022-12-04. Review status: criteria provided, single submitter. Criteria: LabCorp Variant Classification Summary - May 2015. Collection method: clinical testing. Allele origin: germline.

GeneDx
Classification: Likely benign. Last evaluated: 2020-02-13. Review status: criteria provided, single submitter. Criteria: GeneDx Variant Classification Process June 2021. Collection method: clinical testing. Allele origin: germline. Affected: yes.

Color Diagnostics, LLC DBA Color Health
Classification: Likely benign for Cardiomyopathy. Last evaluated: 2018-10-15. Review status: criteria provided, single submitter. Criteria: ACMG Guidelines, 2015. Collection method: clinical testing. Allele origin: germline.

Ambry Genetics
Classification: Likely benign for Cardiovascular phenotype. Last evaluated: 2015-07-21. Review status: criteria provided, single submitter. Criteria: Ambry Variant Classification Scheme 2023. Collection method: clinical testing. Allele origin: germline.

Laboratory for Molecular Medicine, Mass General Brigham Personalized Medicine
Classification: Likely benign. Last evaluated: 2013-05-30. Review status: criteria provided, single submitter. Criteria: LMM Criteria. Collection method: clinical testing. Allele origin: germline. Observed: 1 variant allele.
Comment: Ala365Ala in exon 12 of TMEM43: This variant is not expected to have clinical si gnificance because it does not alter an amino acid residue and is not located wi thin the splice consensus sequence. It has been identified in (4/8600) European American chromosomes by the NHLBI Exome Sequencing Project (dbSNP rs141675061). Ala365Ala in exon 12 of TMEM43 (rs141675061 ; allele frequency = 4/8600) **

PreventionGenetics, part of Exact Sciences
Classification: Likely benign for TMEM43-related condition. Last evaluated: 2023-02-10. Review status: no assertion criteria provided. Collection method: clinical testing. Allele origin: germline. Not counted in ClinVar's aggregate classification.
Comment: This variant is classified as likely benign based on ACMG/AMP sequence variant interpretation guidelines (Richards et al. 2015 PMID: 25741868, with internal and published modifications).